The following is an entry in ClinVar:

NM_001005242.3(PKP2):c.2446-9A>T

Gene: PKP2 (plakophilin 2; minus strand). Cytogenetic location: 12p11.21.
Variant type: single nucleotide variant.
Coding change: c.2446-9A>T on transcript NM_001005242.3 (MANE Select); 9 bases into the intron before coding-DNA position 2446, A replaced by T.
Molecular consequence: intron variant.
Genome position (GRCh38, 1-based): chr12:32,792,501, T>A on the plus strand (A>T on the coding strand, the complement: PKP2 is on the minus strand). VCF-style: chr12-32792501-T-A. GRCh37 (hg19) VCF-style: chr12-32945435-T-A.
Other names: c.2578-9A>T (NM_004572.4).
Identifiers: ClinVar variation 391454 (VCV000391454.6), dbSNP rs1057524088, ClinGen allele CA16606595.

ClinVar aggregate classification (germline): Likely benign. Review status: criteria provided, multiple submitters, no conflicts (2 of 4 stars). 4 submissions from 4 submitters: Likely benign (4). Last evaluated 2024-07-16.

Conditions:
Cardiomyopathy (CMYO). Also called: Cardiomyopathies. Identifiers: Orphanet 167848, MedGen C0878544, MONDO:0004994, HP:0001638. Inheritance: Various modes of inheritance.
Arrhythmogenic right ventricular cardiomyopathy (ARVD). Also called: Cardiomyopathy, ARVC; Arrhythmogenic right ventricular dysplasia; Arrhythmogenic cardiomyopathy; Arrhythmogenic Right Ventricular Cardiomyopathy (ARVC). Identifiers: Orphanet 247, MedGen C0349788, MeSH D019571, MONDO:0016587. Disease mechanism: loss of function. Inheritance: Various modes of inheritance.
Arrhythmogenic right ventricular dysplasia 9 (ARVD9). Also called: Arrhythmogenic Right Ventricular Dysplasia/Cardiomyopathy 9; ARRHYTHMOGENIC RIGHT VENTRICULAR DYSPLASIA, FAMILIAL, 9. Identifiers: MedGen C1836906, MONDO:0012180, OMIM 609040.

Allele frequency attached by ClinVar (database versions not stated): TOPMed 0.00001.
gnomAD v4.1: 12 of 1,612,654 alleles (0.00074%); highest among the groups gnomAD compares: Middle Eastern, 0.017%; no homozygotes.

Submissions (4):

Labcorp Genetics (formerly Invitae), Labcorp
Classification: Likely benign for Arrhythmogenic right ventricular dysplasia 9. Last evaluated: 2024-07-16. Review status: criteria provided, single submitter. Criteria: Invitae Variant Classification Sherloc (09022015). Collection method: clinical testing. Allele origin: germline.

All of Us Research Program, National Institutes of Health
Classification: Likely benign for Arrhythmogenic right ventricular cardiomyopathy. Last evaluated: 2023-12-01. Review status: criteria provided, single submitter. Criteria: ACMG Guidelines, 2015. Collection method: clinical testing. Allele origin: germline. Inheritance: Autosomal dominant inheritance. Observed: 2 variant alleles, 2 heterozygotes.
Comment: This study involves interpretation of variants in research participants for the purpose of population health screening. Participant phenotype was not available at the time of variant classification. Additional details can be found in publication PMID: 35346344, PMCID: PMC8962531

Color Diagnostics, LLC DBA Color Health
Classification: Likely benign for Cardiomyopathy. Last evaluated: 2019-06-04. Review status: criteria provided, single submitter. Criteria: ACMG Guidelines, 2015. Collection method: clinical testing. Allele origin: germline.

GeneDx
Classification: Likely benign. Last evaluated: 2016-12-06. Review status: criteria provided, single submitter. Criteria: GeneDx Variant Classification (06012015). Collection method: clinical testing. Allele origin: germline. Affected: yes.
Comment: This variant is considered likely benign or benign based on one or more of the following criteria: it is a conservative change, it occurs at a poorly conserved position in the protein, it is predicted to be benign by multiple in silico algorithms, and/or has population frequency not consistent with disease.